The following is an entry in ClinVar:

ClinVar aggregate classification (germline): Uncertain significance (1 of 4 stars; one submission).

Conditions:
Hereditary cancer-predisposing syndrome. Also called: Neoplastic Syndromes, Hereditary; Tumor predisposition; Hereditary Cancer Syndrome; Hereditary neoplastic syndrome. Identifiers: Orphanet 140162, MedGen C0027672, MeSH D009386, MONDO:0015356.

Submission:

Ambry Genetics
Classification: Uncertain significance for Hereditary cancer-predisposing syndrome. Last evaluated: 2024-08-19. Review status: criteria provided, single submitter. Criteria: Ambry Variant Classification Scheme 2023. Collection method: clinical testing. Allele origin: germline.
Comment: The p.V452I variant (also known as c.1354G>A), located in coding exon 10 of the APC gene, results from a G to A substitution at nucleotide position 1354. The valine at codon 452 is replaced by isoleucine, an amino acid with highly similar properties. This amino acid position is highly conserved in available vertebrate species. In addition, in silico predictors for this gene do not accurately predict pathogenicity. Missense alterations in APC are not a common cause of disease (Spier I et al. Genet Med. 2024 Feb;26(2):100992). Based on the available evidence, the clinical significance of this variant remains unclear.

NM_000038.6(APC):c.1354G>A (p.Val452Ile)

Gene: APC (APC regulator of Wnt signaling pathway; plus strand). Cytogenetic location: 5q22.2.
Variant type: single nucleotide variant.
Coding change: c.1354G>A on transcript NM_000038.6 (MANE Select); coding-DNA position 1354, G replaced by A.
Protein change: p.Val452Ile; replaces valine 452 with isoleucine.
Molecular consequence: missense variant. On other transcripts: non-coding transcript variant (2).
Genome position (GRCh38, 1-based): chr5:112,821,937, G>A. VCF-style: chr5-112821937-G-A. GRCh37 (hg19) VCF-style: chr5-112157634-G-A.
Other names: c.1354G>A, p.Val452Ile (NM_001127510.3, NM_001354895.2, NM_001354896.2 and 4 more transcripts); c.1300G>A, p.Val434Ile (NM_001127511.3); c.1384G>A, p.Val462Ile (NM_001354897.2, NM_001407446.1); c.1279G>A, p.Val427Ile (NM_001354898.2, NM_001407451.1); c.1270G>A, p.Val424Ile (NM_001354899.2, NM_001407452.1); c.1177G>A, p.Val393Ile (NM_001354900.2, NM_001354901.2, NM_001407453.1); c.1081G>A, p.Val361Ile (NM_001354902.2); c.1051G>A, p.Val351Ile (NM_001354903.2, NM_001407454.1, NM_001407455.1 and 5 more transcripts); and 5 more; short protein forms V292I, V323I, V424I, V452I, V361I, V393I, V68I, V169I.
Identifiers: ClinVar variation 3410016 (VCV003410016.1).